The following is an entry in ClinVar:

ClinVar aggregate classification (germline): Uncertain significance. Review status: criteria provided, multiple submitters, no conflicts (2 of 4 stars). 2 submissions from 2 submitters: Uncertain significance (2). Last evaluated 2023-10-19.

Allele frequency attached by ClinVar (database versions not stated): TOPMed below 0.00001.

Submissions (2):

Women's Health and Genetics/Laboratory Corporation of America, LabCorp
Classification: Uncertain significance. Last evaluated: 2023-10-19. Review status: criteria provided, single submitter. Criteria: LabCorp Variant Classification Summary - May 2015. Collection method: clinical testing. Allele origin: germline.
Comment: Variant summary: WFS1 c.1630T>A (p.Ser544Thr) results in a conservative amino acid change in the encoded protein sequence. Five of five in-silico tools predict a benign effect of the variant on protein function. The variant was absent in 250390 control chromosomes (gnomAD). The available data on variant occurrences in the general population are insufficient to allow any conclusion about variant significance. To our knowledge, no occurrence of c.1630T>A in individuals affected with Wolfram Syndrome 1 and no experimental evidence demonstrating its impact on protein function have been reported. No submitters have cited clinical-significance assessments for this variant to ClinVar after 2014. Based on the evidence outlined above, the variant was classified as uncertain significance.

Labcorp Genetics (formerly Invitae), Labcorp
Classification: Uncertain significance. Last evaluated: 2023-07-13. Review status: criteria provided, single submitter. Criteria: Invitae Variant Classification Sherloc (09022015). Collection method: clinical testing. Allele origin: germline.
Comment: In summary, the available evidence is currently insufficient to determine the role of this variant in disease. Therefore, it has been classified as a Variant of Uncertain Significance. Advanced modeling of protein sequence and biophysical properties (such as structural, functional, and spatial information, amino acid conservation, physicochemical variation, residue mobility, and thermodynamic stability) performed at Invitae indicates that this missense variant is not expected to disrupt WFS1 protein function. This variant has not been reported in the literature in individuals affected with WFS1-related conditions. This variant is not present in population databases (gnomAD no frequency). This sequence change replaces serine, which is neutral and polar, with threonine, which is neutral and polar, at codon 544 of the WFS1 protein (p.Ser544Thr).

NM_006005.3(WFS1):c.1630T>A (p.Ser544Thr)

Gene: WFS1 (wolframin ER transmembrane glycoprotein; plus strand). Cytogenetic location: 4p16.1.
Variant type: single nucleotide variant.
Coding change: c.1630T>A on transcript NM_006005.3 (MANE Select); coding-DNA position 1630, T replaced by A.
Protein change: p.Ser544Thr; replaces serine 544 with threonine.
Molecular consequence: missense variant.
Genome position (GRCh38, 1-based): chr4:6,301,425, T>A. VCF-style: chr4-6301425-T-A. GRCh37 (hg19) VCF-style: chr4-6303152-T-A.
Other names: c.1630T>A, p.Ser544Thr (NM_001145853.1); short protein forms S544T.
Identifiers: ClinVar variation 2637822 (VCV002637822.4), dbSNP rs1029964172, ClinGen allele CA91796405.